The following is an entry in ClinVar:

NM_000929.3(PLA2G5):c.351_361del (p.Cys117_Asn121delinsTer)

Gene: PLA2G5 (phospholipase A2 group V; plus strand). Cytogenetic location: 1p36.13.
Variant type: Deletion.
Coding change: c.351_361del on transcript NM_000929.3 (MANE Select); coding-DNA positions 351 to 361, 11 bases deleted (CCTCAAGAGAA).
Protein change: p.Cys117_Asn121delinsTer.
Molecular consequence: nonsense.
Genome position (GRCh38, 1-based): chr1:20,090,626-20,090,636, CCTCAAGAGAA deleted. VCF-style (leftmost placement, unchanged base first): chr1-20090625-GCCTCAAGAGAA-G. GRCh37 (hg19) VCF-style: chr1-20417118-GCCTCAAGAGAA-G.
Identifiers: ClinVar variation 964226 (VCV000964226.7), dbSNP rs2016522909, ClinGen allele CA1139655997.

ClinVar aggregate classification (germline): Uncertain significance (1 of 4 stars; one submission).

Submission:

Labcorp Genetics (formerly Invitae), Labcorp
Classification: Uncertain significance. Last evaluated: 2022-06-03. Review status: criteria provided, single submitter. Criteria: Invitae Variant Classification Sherloc (09022015). Collection method: clinical testing. Allele origin: germline.
Comment: This sequence change creates a premature translational stop signal (p.Cys117*) in the PLA2G5 gene. While this is not anticipated to result in nonsense mediated decay, it is expected to disrupt the last 22 amino acid(s) of the PLA2G5 protein. This variant is not present in population databases (gnomAD no frequency). This variant has not been reported in the literature in individuals affected with PLA2G5-related conditions. ClinVar contains an entry for this variant (Variation ID: 964226). Experimental studies and prediction algorithms are not available or were not evaluated, and the functional significance of this variant is currently unknown. In summary, the available evidence is currently insufficient to determine the role of this variant in disease. Therefore, it has been classified as a Variant of Uncertain Significance.